The following is an entry in ClinVar:

ClinVar aggregate classification (germline): Uncertain significance (1 of 4 stars; one submission).

Submission:

CeGaT Center for Human Genetics Tuebingen
Classification: Uncertain significance. Last evaluated: 2024-05-01. Review status: criteria provided, single submitter. Criteria: CeGaT Center For Human Genetics Tuebingen Variant Classification Criteria Version 2. Collection method: clinical testing. Allele origin: germline. Affected: yes. Observed: 1 variant allele.
Comment: DDB1: PM2

NM_001923.5(DDB1):c.1013T>C (p.Val338Ala)

Gene: DDB1 (damage specific DNA binding protein 1; minus strand). Cytogenetic location: 11q12.2.
Variant type: single nucleotide variant.
Coding change: c.1013T>C on transcript NM_001923.5 (MANE Select); coding-DNA position 1013, T replaced by C.
Protein change: p.Val338Ala; replaces valine 338 with alanine.
Molecular consequence: missense variant.
Genome position (GRCh38, 1-based): chr11:61,322,405, A>G on the plus strand (T>C on the coding strand, the complement: DDB1 is on the minus strand). VCF-style: chr11-61322405-A-G. GRCh37 (hg19) VCF-style: chr11-61089877-A-G.
Other names: short protein forms V338A.
Identifiers: ClinVar variation 3239528 (VCV003239528.19), dbSNP rs2539680909.